The following is an entry in ClinVar:

ClinVar aggregate classification (germline): Likely benign. Review status: criteria provided, multiple submitters, no conflicts (2 of 4 stars). 2 submissions from 2 submitters: Likely benign (2). Last evaluated 2026-01-27.

Conditions:
Pheochromocytoma/paraganglioma syndrome 4. Also called: CAROTID BODY TUMORS AND MULTIPLE EXTRAADRENAL PHEOCHROMOCYTOMAS; PARAGANGLIOMA, FAMILIAL MALIGNANT; PARAGANGLIOMAS, HEREDITARY EXTRAADRENAL; PHEOCHROMOCYTOMA, FAMILIAL EXTRAADRENAL; Paragangliomas 4; SDHB-Related Hereditary Paraganglioma-Pheochromocytoma Syndrome (Paragangliomas 4). Identifiers: Orphanet 29072, MedGen C1861848, MONDO:0007273, OMIM 115310.
Pheochromocytoma. Also called: MAX-Related Hereditary Paraganglioma-Pheochromocytoma Syndrome. Identifiers: Orphanet 29072, MedGen C0031511, MONDO:0008233, OMIM 171300, HP:0002666.
Gastrointestinal stromal tumor. Also called: Gastrointestinal stromal tumor, somatic; Gastrointestinal stroma tumor. Identifiers: Orphanet 44890, MedGen C0238198, MeSH D046152, MONDO:0011719, OMIM 606764, HP:0100723.

Submissions (2):

Labcorp Genetics (formerly Invitae), Labcorp
Classification: Likely benign for Gastrointestinal stromal tumor; Pheochromocytoma/paraganglioma syndrome 4; Pheochromocytoma. Last evaluated: 2026-01-27. Review status: criteria provided, single submitter. Criteria: Invitae Variant Classification Sherloc (09022015). Collection method: clinical testing. Allele origin: germline.

Myriad Genetics, Inc.
Classification: Likely benign for Pheochromocytoma/paraganglioma syndrome 4. Last evaluated: 2025-03-13. Review status: criteria provided, single submitter. Criteria: Myriad Autosomal Dominant, Autosomal Recessive and X-Linked Classification Criteria (2023). Collection method: clinical testing. Allele origin: unknown.
Comment: This variant is considered likely benign. This variant is intronic and is not expected to impact mRNA splicing.

NM_003000.3(SDHB):c.766-14T>C

Genes: SDHB (succinate dehydrogenase complex iron sulfur subunit B; minus strand), LOC129929541 (ATAC-STARR-seq lymphoblastoid active region 276; plus strand). Cytogenetic location: 1p36.13.
Variant type: single nucleotide variant.
Coding change: c.766-14T>C on transcript NM_003000.3 (MANE Select); 14 bases into the intron before coding-DNA position 766, T replaced by C.
Molecular consequence: intron variant.
Genome position (GRCh38, 1-based): chr1:17,018,972, A>G on the plus strand (T>C on the coding strand, the complement: SDHB is on the minus strand). VCF-style: chr1-17018972-A-G. GRCh37 (hg19) VCF-style: chr1-17345467-A-G.
Other names: c.712-14T>C (NM_001407361.1).
Identifiers: ClinVar variation 2939494 (VCV002939494.4), dbSNP rs2524995236, ClinGen allele CA2740090516.